The following is an entry in ClinVar:

ClinVar aggregate classification (germline): Conflicting classifications of pathogenicity. Review status: criteria provided, conflicting classifications (1 of 4 stars). 2 submissions from 2 submitters: Uncertain significance (1); Likely benign (1). Last evaluated 2025-08-29.

Allele frequency attached by ClinVar (database versions not stated): gnomAD 0.00001; ExAC 0.00003; gnomAD exomes 0.00003.
gnomAD v4.1: 38 of 1,610,190 alleles (0.0024%); highest among the groups gnomAD compares: East Asian, 0.056%; no homozygotes.

Submissions (2):

Labcorp Genetics (formerly Invitae), Labcorp
Classification: Uncertain significance. Last evaluated: 2025-08-29. Review status: criteria provided, single submitter. Criteria: Invitae Variant Classification Sherloc (09022015). Collection method: clinical testing. Allele origin: germline.
Comment: This sequence change replaces aspartic acid, which is acidic and polar, with asparagine, which is neutral and polar, at codon 122 of the DDX58 protein (p.Asp122Asn). This variant is present in population databases (rs749687427, gnomAD 0.03%). This variant has not been reported in the literature in individuals affected with DDX58-related conditions. ClinVar contains an entry for this variant (Variation ID: 1953326). An algorithm developed to predict the effect of missense changes on protein structure and function (PolyPhen-2) suggests that this variant is likely to be tolerated. In summary, the available evidence is currently insufficient to determine the role of this variant in disease. Therefore, it has been classified as a Variant of Uncertain Significance.

CeGaT Center for Human Genetics Tuebingen
Classification: Likely benign. Last evaluated: 2023-09-01. Review status: criteria provided, single submitter. Criteria: CeGaT Center For Human Genetics Tuebingen Variant Classification Criteria Version 2. Collection method: clinical testing. Allele origin: germline. Affected: yes. Observed: 1 variant allele.
Comment: RIGI: BP4

NM_014314.4(RIGI):c.364G>A (p.Asp122Asn)

Gene: RIGI (RNA sensor RIG-I; minus strand). Cytogenetic location: 9p21.1.
Variant type: single nucleotide variant.
Coding change: c.364G>A on transcript NM_014314.4 (MANE Select); coding-DNA position 364, G replaced by A.
Protein change: p.Asp122Asn; replaces aspartic acid 122 with asparagine.
Molecular consequence: missense variant. On other transcripts: 5 prime UTR variant (3).
Genome position (GRCh38, 1-based): chr9:32,493,820, C>T on the plus strand (G>A on the coding strand, the complement: RIGI is on the minus strand). VCF-style: chr9-32493820-C-T. GRCh37 (hg19) VCF-style: chr9-32493818-C-T.
Other names: c.364G>A, p.Asp122Asn (NM_001385907.1, NM_001385909.1, NM_001385913.1); c.-91G>A (NM_001385910.1, NM_001385914.1); c.-98G>A (NM_001385912.1); short protein forms D122N.
Identifiers: ClinVar variation 1953326 (VCV001953326.29), dbSNP rs749687427, ClinGen allele CA5020111.